The following is an entry in ClinVar:

ClinVar aggregate classification (germline): Conflicting classifications of pathogenicity. Review status: criteria provided, conflicting classifications (1 of 4 stars). 2 submissions from 2 submitters: Uncertain significance (1); Likely benign (1). Last evaluated 2025-04-23.

Conditions:
Hereditary cancer-predisposing syndrome. Also called: Neoplastic Syndromes, Hereditary; Hereditary Cancer Syndrome; Tumor predisposition; Hereditary neoplastic syndrome. Identifiers: Orphanet 140162, MedGen C0027672, MeSH D009386, MONDO:0015356.
Hereditary breast ovarian cancer syndrome. Also called: Hereditary breast and ovarian cancer syndrome (HBOC); Hereditary breast and ovarian cancer; Breast and ovarian cancer; BRCA1- and BRCA2-Associated Hereditary Breast and Ovarian Cancer; Hereditary breast and ovarian cancer syndrome; Hereditary breast and/or ovarian cancer syndrome. Identifiers: Orphanet 145, MedGen C0677776, MeSH D061325, MONDO:0003582. Disease mechanism: loss of function.

Submissions (2):

Labcorp Genetics (formerly Invitae), Labcorp
Classification: Uncertain significance for Hereditary breast ovarian cancer syndrome. Last evaluated: 2025-04-23. Review status: criteria provided, single submitter. Criteria: Invitae Variant Classification Sherloc (09022015). Collection method: clinical testing. Allele origin: germline.
Comment: This sequence change replaces threonine, which is neutral and polar, with isoleucine, which is neutral and non-polar, at codon 2060 of the BRCA2 protein (p.Thr2060Ile). This variant is not present in population databases (gnomAD no frequency). This variant has not been reported in the literature in individuals affected with BRCA2-related conditions. ClinVar contains an entry for this variant (Variation ID: 945835). Invitae Evidence Modeling of protein sequence and biophysical properties (such as structural, functional, and spatial information, amino acid conservation, physicochemical variation, residue mobility, and thermodynamic stability) indicates that this missense variant is not expected to disrupt BRCA2 protein function with a negative predictive value of 95%. In summary, the available evidence is currently insufficient to determine the role of this variant in disease. Therefore, it has been classified as a Variant of Uncertain Significance.

University of Washington Department of Laboratory Medicine, University of Washington
Classification: Likely benign for Hereditary cancer-predisposing syndrome. Last evaluated: 2023-03-23. Review status: criteria provided, single submitter. Criteria: Dines et al. (Genet Med. 2020). Collection method: curation. Allele origin: germline.
Comment: Missense variant in a coldspot region where missense variants are very unlikely to be pathogenic (PMID:31911673).

BRCA2 exon 11 coldspot. Reclassification based on statistical prior probability.

NM_000059.4(BRCA2):c.6179C>T (p.Thr2060Ile)

Gene: BRCA2 (BRCA2 DNA repair associated; plus strand). Cytogenetic location: 13q13.1.
Variant type: single nucleotide variant.
Coding change: c.6179C>T on transcript NM_000059.4 (MANE Select); coding-DNA position 6179, C replaced by T.
Protein change: p.Thr2060Ile; replaces threonine 2060 with isoleucine.
Molecular consequence: missense variant.
Genome position (GRCh38, 1-based): chr13:32,340,534, C>T. VCF-style: chr13-32340534-C-T. GRCh37 (hg19) VCF-style: chr13-32914671-C-T.
Other names: short protein forms T2060I.
Identifiers: ClinVar variation 945835 (VCV000945835.11), dbSNP rs2072548301, ClinGen allele CA387788391.
Genomic context (GRCh38, chr13:32,340,534, plus strand): 5'-TATCCCAAAAAGGCTTTTCATATAATGTGGTAAATTCATCTGCTTTCTCTGGATTTAGTA[C>T]AGCAAGTGGAAAGCAAGTTTCCATTTTAGAAAGTTCCTTACACAAAGTTAAGGGAGTGTT-3'
Protein context (NP_000050.3, residues 2050-2070): VNSSAFSGFS[Thr2060Ile]ASGKQVSILE